The following is an entry in ClinVar:

ClinVar aggregate classification (germline): Pathogenic (1 of 4 stars; one submission).

Conditions:
Charcot-Marie-Tooth disease type 4. Also called: Charcot-Marie-Tooth, Type 4; Charcot-Marie-Tooth disease, type IV. Identifiers: Orphanet 64749, MedGen C4082197, MONDO:0018995.

Submission:

Labcorp Genetics (formerly Invitae), Labcorp
Classification: Pathogenic for Charcot-Marie-Tooth disease type 4. Last evaluated: 2024-06-29. Review status: criteria provided, single submitter. Criteria: Invitae Variant Classification Sherloc (09022015). Collection method: clinical testing. Allele origin: germline.
Comment: This sequence change creates a premature translational stop signal (p.Tyr565Ilefs*3) in the MTMR2 gene. It is expected to result in an absent or disrupted protein product. Loss-of-function variants in MTMR2 are known to be pathogenic (PMID: 10802647). This variant is not present in population databases (gnomAD no frequency). This variant has not been reported in the literature in individuals affected with MTMR2-related conditions. For these reasons, this variant has been classified as Pathogenic.

Literature cited by the submitters: PubMed 10802647.

NM_016156.6(MTMR2):c.1693del (p.Tyr565fs)

Gene: MTMR2 (myotubularin related protein 2; minus strand). Cytogenetic location: 11q21.
Variant type: Deletion.
Coding change: c.1693del on transcript NM_016156.6 (MANE Select); coding-DNA position 1693, one base deleted (T; older notation c.1693delT).
Protein change: p.Tyr565fs; shifts the reading frame from tyrosine 565.
Molecular consequence: frameshift variant.
Genome position (GRCh38, 1-based): chr11:95,836,225, A deleted on the plus strand (T on the coding strand, the reverse complement: MTMR2 is on the minus strand); the first of 3 consecutive A bases (chr11:95,836,225-95,836,227); deleting any one gives the same sequence. VCF-style (leftmost placement, unchanged base first): chr11-95836224-TA-T. GRCh37 (hg19) VCF-style: chr11-95569388-TA-T.
Other names: c.1477del, p.Tyr493fs (NM_001243571.2, NM_201278.3, NM_201281.3); short protein forms Y493fs, Y565fs.
Identifiers: ClinVar variation 3658204 (VCV003658204.2).